The following is an entry in ClinVar:

ClinVar aggregate classification (germline): Likely pathogenic (1 of 4 stars; one submission).

Conditions:
Infantile hypertrophic cardiomyopathy due to MRPL44 deficiency. Also called: Combined oxidative phosphorylation deficiency 16. Identifiers: Orphanet 352563, MedGen C3809339, MONDO:0014162, OMIM 615395.

Submission:

First Genomix Gene Laboratory, Genetic Diagnostics Department
Classification: Likely pathogenic for Infantile hypertrophic cardiomyopathy due to MRPL44 deficiency. Last evaluated: 2025-03-20. Review status: criteria provided, single submitter. Criteria: ACMG Guidelines, 2015. Collection method: clinical testing. Allele origin: germline. Inheritance: Autosomal recessive inheritance. Affected: no. Observed: 1 variant allele.

NM_022915.5(MRPL44):c.626del (p.Glu209fs)

Gene: MRPL44 (mitochondrial ribosomal protein L44; plus strand). Cytogenetic location: 2q36.1.
Variant type: Deletion.
Coding change: c.626del on transcript NM_022915.5 (MANE Select); coding-DNA position 626, one base deleted (A; older notation c.626delA).
Protein change: p.Glu209fs; shifts the reading frame from glutamic acid 209.
Molecular consequence: frameshift variant.
Genome position (GRCh38, 1-based): chr2:223,959,980, A deleted. VCF-style (leftmost placement, unchanged base first): chr2-223959979-GA-G. GRCh37 (hg19) VCF-style: chr2-224824696-GA-G.
Other names: c.626delA (NM_022915.5); short protein forms E209fs.
Identifiers: ClinVar variation 4845766 (VCV004845766.1).
Genomic context (GRCh38, chr2:223,959,979, plus strand): 5'-GCTGTGTTACAGCAGACTTTCTTTGCAGTTATTGGAGCCCTGTTACAGAGCAGTGGACCT[GA>G]GAGGACTGCACTTTTCATCAGGGTACGTAACTATTAATTGGACATGCTTGAGATAGACAG-3'